The following is an entry in ClinVar:

ClinVar aggregate classification (germline): Uncertain significance (1 of 4 stars; one submission).

Conditions:
Hereditary nonpolyposis colorectal neoplasms. Identifiers: MedGen C0009405, MeSH D003123.

Submission:

Labcorp Genetics (formerly Invitae), Labcorp
Classification: Uncertain significance for Hereditary nonpolyposis colorectal neoplasms. Last evaluated: 2020-10-19. Review status: criteria provided, single submitter. Criteria: Invitae Variant Classification Sherloc (09022015). Collection method: clinical testing. Allele origin: germline.
Comment: Algorithms developed to predict the effect of missense changes on protein structure and function (SIFT, PolyPhen-2, Align-GVGD) all suggest that this variant is likely to be disruptive, but these predictions have not been confirmed by published functional studies and their clinical significance is uncertain. In summary, the available evidence is currently insufficient to determine the role of this variant in disease. Therefore, it has been classified as a Variant of Uncertain Significance. This variant has not been reported in the literature in individuals with PMS2-related conditions. This variant is not present in population databases (ExAC no frequency). This sequence change replaces glycine with arginine at codon 281 of the PMS2 protein (p.Gly281Arg). The glycine residue is highly conserved and there is a moderate physicochemical difference between glycine and arginine.

NM_000535.7(PMS2):c.841G>A (p.Gly281Arg)

Gene: PMS2 (PMS1 homolog 2, mismatch repair system component; minus strand). Cytogenetic location: 7p22.1.
Variant type: single nucleotide variant.
Coding change: c.841G>A on transcript NM_000535.7 (MANE Select); coding-DNA position 841, G replaced by A.
Protein change: p.Gly281Arg; replaces glycine 281 with arginine.
Molecular consequence: missense variant. On other transcripts: 5 prime UTR variant (2), non-coding transcript variant (1).
Genome position (GRCh38, 1-based): chr7:5,995,596, C>T on the plus strand (G>A on the coding strand, the complement: PMS2 is on the minus strand). VCF-style: chr7-5995596-C-T. GRCh37 (hg19) VCF-style: chr7-6035227-C-T.
Other names: c.436G>A, p.Gly146Arg (NM_001322003.2, NM_001322004.2, NM_001322005.2 and 2 more transcripts); c.841G>A, p.Gly281Arg (NM_001322006.2, NM_001322014.2); c.523G>A, p.Gly175Arg (NM_001322007.2, NM_001322008.2); c.-93G>A (NM_001322011.2, NM_001322012.2); c.268G>A, p.Gly90Arg (NM_001322013.2); c.532G>A, p.Gly178Arg (NM_001322015.2); short protein forms G90R, G146R, G281R, G178R, G175R.
Identifiers: ClinVar variation 1043336 (VCV001043336.8), dbSNP rs1784309424, ClinGen allele CA366743512.